The following is an entry in ClinVar:

NM_001040108.2(MLH3):c.4303G>C (p.Ala1435Pro)

Gene: MLH3 (mutL homolog 3; minus strand). Cytogenetic location: 14q24.3.
Variant type: single nucleotide variant.
Coding change: c.4303G>C on transcript NM_001040108.2 (MANE Select); coding-DNA position 4303, G replaced by C.
Protein change: p.Ala1435Pro; replaces alanine 1435 with proline.
Molecular consequence: missense variant.
Genome position (GRCh38, 1-based): chr14:75,017,141, C>G on the plus strand (G>C on the coding strand, the complement: MLH3 is on the minus strand). VCF-style: chr14-75017141-C-G. GRCh37 (hg19) VCF-style: chr14-75483844-C-G.
Other names: c.4231G>C, p.Ala1411Pro (NM_014381.3); short protein forms A1411P, A1435P.
Identifiers: ClinVar variation 4860141 (VCV004860141.1).

ClinVar aggregate classification (germline): Uncertain significance (1 of 4 stars; one submission).

Submission:

Ambry Genetics
Classification: Uncertain significance. Last evaluated: 2026-05-04. Review status: criteria provided, single submitter. Criteria: Ambry Variant Classification Scheme 2023. Collection method: clinical testing. Allele origin: germline.
Comment: The p.A1435P variant (also known as c.4303G>C), located in coding exon 12 of the MLH3 gene, results from a G to C substitution at nucleotide position 4303. The alanine at codon 1435 is replaced by proline, an amino acid with highly similar properties. This amino acid position is not well conserved in available vertebrate species. In addition, the in silico prediction for this alteration is inconclusive. Based on the available evidence, the clinical significance of this variant remains unclear.